The following is an entry in ClinVar:

NM_012141.3(INTS6):c.189+110T>A

Gene: INTS6 (integrator complex subunit 6; minus strand). Cytogenetic location: 13q14.3.
Variant type: single nucleotide variant.
Coding change: c.189+110T>A on transcript NM_012141.3 (MANE Select); 110 bases into the intron after coding-DNA position 189, T replaced by A.
Molecular consequence: intron variant.
Genome position (GRCh38, 1-based): chr13:51,451,868, A>T on the plus strand (T>A on the coding strand, the complement: INTS6 is on the minus strand). VCF-style: chr13-51451868-A-T. GRCh37 (hg19) VCF-style: chr13-52026004-A-T.
Other names: c.150+110T>A (NM_001039937.2); c.-630+110T>A (NM_001306091.2); c.189+110T>A (NM_001039938.2).
Identifiers: ClinVar variation 5017482 (VCV005017482.1).

ClinVar aggregate classification (germline): Uncertain significance (1 of 4 stars; one submission).

Submission:

GeneDx
Classification: Uncertain significance. Last evaluated: 2026-03-28. Review status: criteria provided, single submitter. Criteria: GeneDx Variant Classification Process June 2021. Collection method: clinical testing. Allele origin: germline.
Comment: In silico analysis supports a deleterious effect on splicing; Has not been previously published as pathogenic or benign to our knowledge; No data available from control populations to assess the frequency of this variant